The following is an entry in ClinVar:

NM_206933.4(USH2A):c.9556TCT[1] (p.Ser3187del)

Gene: USH2A (usherin; minus strand). Cytogenetic location: 1q41.
Variant type: Microsatellite.
Coding change: c.9556TCT[1] on transcript NM_206933.4 (MANE Select); one copy of the 3-base unit TCT starting at c.9556; the reference has two copies in a row; one copy, 3 bases deleted.
Protein change: p.Ser3187del; deletes serine 3187.
Molecular consequence: inframe deletion.
Genome position (GRCh38, 1-based): chr1:215,817,006-215,817,008, AGA deleted on the plus strand (TCT on the coding strand, the reverse complement: USH2A is on the minus strand); deleting any 3 consecutive bases within chr1:215,817,006-215,817,012 gives the same sequence; the position shown is the placement nearest the transcript's 3' end. VCF-style (leftmost placement, unchanged base first): chr1-215817005-CAGA-C. GRCh37 (hg19) VCF-style: chr1-215990347-CAGA-C.
Other names: short protein forms S3187del.
Identifiers: ClinVar variation 5004638 (VCV005004638.1).

ClinVar aggregate classification (germline): Uncertain significance (1 of 4 stars; one submission).

Conditions:
USH2A-related disorder. Also called: USH2A-related condition; USH2A-related disorders. Identifiers: MedGen CN239332.

Submission:

Myriad Genetics, Inc.
Classification: Uncertain significance for USH2A-related disorder. Last evaluated: 2026-04-30. Review status: criteria provided, single submitter. Criteria: Myriad Autosomal Dominant, Autosomal Recessive and X-Linked Classification Criteria (2023). Collection method: clinical testing. Allele origin: unknown.
Comment: NM_206933.2(USH2A):c.9559_9561delTCT(S3187del) is an in-frame deletion classified as a variant of uncertain significance in the context of USH2A-related disorders. S3187del has not been observed in cases with relevant disease. Relevant functional assessments of this variant are not available in the literature. S3187del has not been observed in referenced population frequency databases. In summary, there is insufficient evidence to classify NM_206933.2(USH2A):c.9559_9561delTCT(S3187del) as pathogenic or benign. Please note: this variant was assessed in the context of healthy population screening.